The following is an entry in ClinVar:

NM_007294.4(BRCA1):c.3013G>T (p.Glu1005Ter)

Gene: BRCA1 (BRCA1 DNA repair associated; minus strand). Cytogenetic location: 17q21.31.
Variant type: single nucleotide variant.
Coding change: c.3013G>T on transcript NM_007294.4 (MANE Select); coding-DNA position 3013, G replaced by T.
Protein change: p.Glu1005Ter; replaces glutamic acid 1005 with a stop codon.
Molecular consequence: nonsense. On other transcripts: intron variant (137).
Genome position (GRCh38, 1-based): chr17:43,092,518, C>A on the plus strand (G>T on the coding strand, the complement: BRCA1 is on the minus strand). VCF-style: chr17-43092518-C-A. GRCh37 (hg19) VCF-style: chr17-41244535-C-A.
Other names: c.3013G>T, p.Glu1005Ter (NM_001407622.1, NM_001407623.1, NM_001407624.1 and 30 more transcripts); c.3010G>T, p.Glu1004Ter (NM_001407627.1, NM_001407628.1, NM_001407629.1 and 22 more transcripts); c.3004G>T, p.Glu1002Ter (NM_001407646.1, NM_001407647.1); c.2890G>T, p.Glu964Ter (NM_001407648.1, NM_001407664.1, NM_001407665.1 and 19 more transcripts); c.2887G>T, p.Glu963Ter (NM_001407649.1, NM_001407670.1, NM_001407671.1 and 11 more transcripts); c.2935G>T, p.Glu979Ter (NM_001407653.1, NM_001407654.1, NM_001407655.1 and 4 more transcripts); c.2932G>T, p.Glu978Ter (NM_001407659.1, NM_001407660.1, NM_001407661.1 and 1 more transcripts); c.2872G>T, p.Glu958Ter (NM_001407692.1, NM_001407694.1, NM_001407695.1 and 29 more transcripts); and 41 more; short protein forms E1005*, E709*, E893*, E935*, E938*, E957*, E963*, E877*.
Identifiers: ClinVar variation 2982228 (VCV002982228.3), dbSNP rs2154347293, ClinGen allele CA10595968.
Genomic context (GRCh38, chr17:43,092,518, plus strand): 5'-TGCTCACTGTACTTGGAATGTTCTCATTTCCCATTTCTCTTTCAGGTGACATTGAATGTT[C>A]CTCAAAGTTTTCCTCTAGCAGATTTTTCTTACATTTAGTTTTAACAAATGACTTGATGGG-3'

ClinVar aggregate classification (germline): Pathogenic (1 of 4 stars; one submission).

Conditions:
Hereditary breast ovarian cancer syndrome. Also called: Hereditary breast and ovarian cancer; Hereditary breast and ovarian cancer syndrome (HBOC); Breast and ovarian cancer; Hereditary breast and/or ovarian cancer syndrome; Hereditary breast and ovarian cancer syndrome; BRCA1- and BRCA2-Associated Hereditary Breast and Ovarian Cancer. Identifiers: Orphanet 145, MedGen C0677776, MeSH D061325, MONDO:0003582. Disease mechanism: loss of function.

Submission:

Labcorp Genetics (formerly Invitae), Labcorp
Classification: Pathogenic for Hereditary breast ovarian cancer syndrome. Last evaluated: 2022-11-01. Review status: criteria provided, single submitter. Criteria: Invitae Variant Classification Sherloc (09022015). Collection method: clinical testing. Allele origin: germline.
Comment: This variant is not present in population databases (gnomAD no frequency). This sequence change creates a premature translational stop signal (p.Glu1005*) in the BRCA1 gene. It is expected to result in an absent or disrupted protein product. Loss-of-function variants in BRCA1 are known to be pathogenic (PMID: 20104584). This variant has not been reported in the literature in individuals affected with BRCA1-related conditions. For these reasons, this variant has been classified as Pathogenic.

Literature cited by the submitters: PubMed 20104584.